The following is an entry in ClinVar:

NM_000059.4(BRCA2):c.3807T>G (p.Val1269=)

Gene: BRCA2 (BRCA2 DNA repair associated; plus strand). Cytogenetic location: 13q13.1.
Variant type: single nucleotide variant.
Coding change: c.3807T>G on transcript NM_000059.4 (MANE Select); coding-DNA position 3807, T replaced by G.
Protein change: p.Val1269=; no amino-acid change (valine 1269 retained).
Molecular consequence: synonymous variant.
Genome position (GRCh38, 1-based): chr13:32,338,162, T>G. VCF-style: chr13-32338162-T-G. GRCh37 (hg19) VCF-style: chr13-32912299-T-G.
Other names: 4035T>C.
Identifiers: ClinVar variation 126023 (VCV000126023.4), dbSNP rs543304, ClinGen allele CA018847.

ClinVar aggregate classification (germline): Likely benign. Review status: reviewed by expert panel (3 of 4 stars). 3 submissions from 3 submitters: Likely benign (1). 2 of the submissions do not count toward it. Last evaluated 2017-06-29.

Conditions:
Hereditary cancer-predisposing syndrome. Also called: Tumor predisposition; Hereditary neoplastic syndrome; Hereditary Cancer Syndrome; Neoplastic Syndromes, Hereditary. Identifiers: Orphanet 140162, MedGen C0027672, MeSH D009386, MONDO:0015356.
Breast-ovarian cancer, familial, susceptibility to, 2 (BROVCA2). Also called: BRCA2 Hereditary Breast and Ovarian Cancer. Identifiers: Orphanet 145, MedGen C2675520, MONDO:0012933, OMIM 612555. Disease mechanism: loss of function.

Submissions (3):

Evidence-based Network for the Interpretation of Germline Mutant Alleles (ENIGMA)
Classification: Likely benign for Breast-ovarian cancer, familial, susceptibility to, 2. Last evaluated: 2017-06-29. Review status: reviewed by expert panel. Criteria: ENIGMA BRCA1/2 Classification Criteria (2017-06-29). Collection method: curation. Allele origin: germline.
Comment: Synonymous substitution variant, with low bioinformatic likelihood to result in a splicing aberration (Splicing prior probability 0.02).

Ambry Genetics
Classification: Likely benign for Hereditary cancer-predisposing syndrome. Last evaluated: 2026-07-07. Review status: criteria provided, single submitter. Criteria: Ambry Variant Classification Scheme 2023. Collection method: clinical testing. Allele origin: germline. Not counted in ClinVar's aggregate classification.

Breast Cancer Information Core (BIC) (BRCA2)
Classification: Benign for Breast-ovarian cancer, familial 2. Last evaluated: 2010-12-17. Review status: no assertion criteria provided. Collection method: clinical testing. Allele origin: germline. Affected: yes. Observed: 1 variant allele. Not counted in ClinVar's aggregate classification.